The following is an entry in ClinVar:

ClinVar aggregate classification (germline): Likely benign. Review status: criteria provided, single submitter (1 of 4 stars). 2 submissions from 2 submitters: Likely benign (1). 1 of the submissions does not count toward it. Last evaluated 2025-06-12.

Conditions:
CREBBP-related disorder. Also called: CREBBP-related condition; CREBBP-related disorders.
Rubinstein-Taybi syndrome (RSTS). Identifiers: Orphanet 783, MedGen C0035934, MONDO:0019188.

Allele frequency attached by ClinVar (database versions not stated): TOPMed below 0.00001; gnomAD 0.00001; gnomAD exomes 0.00001; ExAC 0.00002.
gnomAD v4.1: 9 of 1,613,530 alleles (0.00056%); highest among the groups gnomAD compares: East Asian, 0.0045%; no homozygotes.

Submissions (2):

Labcorp Genetics (formerly Invitae), Labcorp
Classification: Likely benign for Rubinstein-Taybi syndrome. Last evaluated: 2025-06-12. Review status: criteria provided, single submitter. Criteria: Invitae Variant Classification Sherloc (09022015). Collection method: clinical testing. Allele origin: germline.

PreventionGenetics, part of Exact Sciences
Classification: Likely benign for CREBBP-related condition. Last evaluated: 2022-02-23. Review status: no assertion criteria provided. Collection method: clinical testing. Allele origin: germline. Not counted in ClinVar's aggregate classification.
Comment: This variant is classified as likely benign based on ACMG/AMP sequence variant interpretation guidelines (Richards et al. 2015 PMID: 25741868, with internal and published modifications).

NM_004380.3(CREBBP):c.6417G>A (p.Leu2139=)

Gene: CREBBP (CREB binding lysine acetyltransferase; minus strand). Cytogenetic location: 16p13.3.
Variant type: single nucleotide variant.
Coding change: c.6417G>A on transcript NM_004380.3 (MANE Select); coding-DNA position 6417, G replaced by A.
Protein change: p.Leu2139=; no amino-acid change (leucine 2139 retained).
Molecular consequence: synonymous variant.
Genome position (GRCh38, 1-based): chr16:3,728,630, C>T on the plus strand (G>A on the coding strand, the complement: CREBBP is on the minus strand). VCF-style: chr16-3728630-C-T. GRCh37 (hg19) VCF-style: chr16-3778631-C-T.
Other names: c.6303G>A, p.Leu2101= (NM_001079846.1); c.6417G>A (NM_004380.2).
Identifiers: ClinVar variation 2055693 (VCV002055693.6), dbSNP rs748399111, ClinGen allele CA7869118.